The following is an entry in ClinVar:

ClinVar aggregate classification (germline): Uncertain significance. Review status: criteria provided, multiple submitters, no conflicts (2 of 4 stars). 2 submissions from 2 submitters: Uncertain significance (2). Last evaluated 2026-07-30.

Conditions:
TTN-related disorder. Also called: TTN-related condition; TTN-related disease; TTN-related disorders.

gnomAD v4.1: 18 of 1,613,796 alleles (0.0011%); highest among the groups gnomAD compares: South Asian, 0.0033%; no homozygotes.

Submissions (2):

PreventionGenetics, part of Exact Sciences
Classification: Uncertain significance for TTN-related condition. Last evaluated: 2026-07-30. Review status: criteria provided, single submitter. Criteria: ACMG Guidelines, 2015. Collection method: clinical testing. Allele origin: germline.
Comment: The TTN c.30262G>A variant is predicted to result in the amino acid substitution p.Val10088Met. To our knowledge, this variant has not been reported in the literature. This variant is reported in 0.0046% of alleles in individuals of European (Finnish) descent in gnomAD. At this time, the clinical significance of this variant is uncertain due to the absence of conclusive functional and genetic evidence.

Women's Health and Genetics/Laboratory Corporation of America, LabCorp
Classification: Uncertain significance. Last evaluated: 2026-01-14. Review status: criteria provided, single submitter. Criteria: LabCorp Variant Classification Summary - May 2015. Collection method: clinical testing. Allele origin: germline.
Comment: Variant summary: TTN c.26530G>A (p.Val8844Met) results in a conservative amino acid change in the encoded protein sequence. Algorithms developed to predict the effect of missense changes on protein structure and function are either unavailable or do not agree on the potential impact of this missense change. The variant allele was found at a frequency of 8e-06 in 249124 control chromosomes. The available data on variant occurrences in the general population are insufficient to allow any conclusion about variant significance. To our knowledge, no occurrence of c.26530G>A in individuals affected with TTN-related conditions and no experimental evidence demonstrating its impact on protein function have been reported. No submitters have cited clinical-significance assessments for this variant to ClinVar. Based on the evidence outlined above, the variant was classified as uncertain significance.

NM_001267550.2(TTN):c.30262G>A (p.Val10088Met)

Gene: TTN (titin; minus strand). Cytogenetic location: 2q31.2.
Variant type: single nucleotide variant.
Coding change: c.30262G>A on transcript NM_001267550.2 (MANE Select); coding-DNA position 30262, G replaced by A.
Protein change: p.Val10088Met; replaces valine 10088 with methionine.
Molecular consequence: missense variant. On other transcripts: intron variant (3).
Genome position (GRCh38, 1-based): chr2:178,702,625, C>T on the plus strand (G>A on the coding strand, the complement: TTN is on the minus strand). VCF-style: chr2-178702625-C-T. GRCh37 (hg19) VCF-style: chr2-179567352-C-T.
Other names: c.29311G>A, p.Val9771Met (NM_001256850.1); c.26530G>A, p.Val8844Met (NM_133378.4); c.13282+35457G>A (NM_003319.4); c.13858+35457G>A (NM_133437.4); c.13657+35457G>A (NM_133432.3); short protein forms V10088M, V8844M, V9771M.
Identifiers: ClinVar variation 4689381 (VCV004689381.2).